The following is an entry in ClinVar:

NM_014806.5(RUSC2):c.2325G>A (p.Ser775=)

Gene: RUSC2 (RUN and SH3 domain containing 2; plus strand). Cytogenetic location: 9p13.3.
Variant type: single nucleotide variant.
Coding change: c.2325G>A on transcript NM_014806.5 (MANE Select); coding-DNA position 2325, G replaced by A.
Protein change: p.Ser775=; no amino-acid change (serine 775 retained).
Molecular consequence: synonymous variant. On other transcripts: 5 prime UTR variant (1), non-coding transcript variant (1).
Genome position (GRCh38, 1-based): chr9:35,555,370, G>A. VCF-style: chr9-35555370-G-A. GRCh37 (hg19) VCF-style: chr9-35555367-G-A.
Other names: c.2325G>A, p.Ser775= (NM_001135999.2); c.-310G>A (NM_001330740.2).
Identifiers: ClinVar variation 1609273 (VCV001609273.22), dbSNP rs767118616, ClinGen allele CA5043844.

ClinVar aggregate classification (germline): Likely benign. Review status: criteria provided, multiple submitters, no conflicts (2 of 4 stars). 3 submissions from 3 submitters: Likely benign (3). Last evaluated 2026-01-21.

Allele frequency attached by ClinVar (database versions not stated): gnomAD 0.00001; gnomAD exomes 0.00002 and 0.00005; ExAC 0.00005.
gnomAD v4.1: 37 of 1,614,104 alleles (0.0023%); highest among the groups gnomAD compares: South Asian, 0.025%; 1 homozygote.

Submissions (3):

Labcorp Genetics (formerly Invitae), Labcorp
Classification: Likely benign. Last evaluated: 2026-01-21. Review status: criteria provided, single submitter. Criteria: Invitae Variant Classification Sherloc (09022015). Collection method: clinical testing. Allele origin: germline.

CeGaT Center for Human Genetics Tuebingen
Classification: Likely benign. Last evaluated: 2024-12-01. Review status: criteria provided, single submitter. Criteria: CeGaT Center For Human Genetics Tuebingen Variant Classification Criteria Version 2. Collection method: clinical testing. Allele origin: germline. Affected: yes. Observed: 1 variant allele.
Comment: RUSC2: BP4, BP7

Blueprint Genetics
Classification: Likely benign. Last evaluated: 2024-10-11. Review status: criteria provided, single submitter. Criteria: ACMG Guidelines, 2015. Collection method: clinical testing. Allele origin: germline.